The following is an entry in ClinVar:

NM_001166108.2(PALLD):c.1965-12771C>T

Gene: PALLD (palladin, cytoskeletal associated protein; plus strand). Cytogenetic location: 4q32.3.
Variant type: single nucleotide variant.
Coding change: c.1965-12771C>T on transcript NM_001166108.2 (MANE Select); 12771 bases into the intron before coding-DNA position 1965, C replaced by T.
Molecular consequence: intron variant. On other transcripts: missense variant (1).
Genome position (GRCh38, 1-based): chr4:168,878,151, C>T. VCF-style: chr4-168878151-C-T. GRCh37 (hg19) VCF-style: chr4-169799302-C-T.
Other names: c.260C>T, p.Ser87Leu (NM_001166110.2); c.1965-12771C>T (NM_016081.4); c.819-12771C>T (NM_001166109.2); c.-157-12771C>T (NM_001367570.1, NM_001367568.1, NM_001367567.1 and 1 more transcripts); short protein forms S87L.
Identifiers: ClinVar variation 578392 (VCV000578392.11), dbSNP rs1560839872, ClinGen allele CA358795844.
Genomic context (GRCh38, chr4:168,878,151, plus strand): 5'-CGCCCTTCGCGCAGCCCTTCGGCGCTGAGCCCGAGGCCCCGTGGGGCTCCTCCTCGCCGT[C>T]GCCCCCGCCCCCGCCACCCCCGGTCTTCAGCCCCACGGCTGCCTTCCCGGTGCCCGACGT-3'

ClinVar aggregate classification (germline): Uncertain significance. Review status: criteria provided, multiple submitters, no conflicts (2 of 4 stars). 2 submissions from 2 submitters: Uncertain significance (2). Last evaluated 2025-03-17.

Conditions:
Pancreatic adenocarcinoma. Identifiers: MedGen C0281361, MONDO:0006047, HP:0006725.

Allele frequency attached by ClinVar (database versions not stated): gnomAD exomes below 0.00001.
gnomAD v4.1: 1 of 1,486,524 alleles (0.000067%); highest among the groups gnomAD compares: Non-Finnish European, 0.000089%; no homozygotes.

Submissions (2):

Ambry Genetics
Classification: Uncertain significance. Last evaluated: 2025-03-17. Review status: criteria provided, single submitter. Criteria: Ambry Variant Classification Scheme 2023. Collection method: clinical testing. Allele origin: germline.
Comment: The p.S87L variant (also known as c.260C>T), located in coding exon 1 of the PALLD gene, results from a C to T substitution at nucleotide position 260. The serine at codon 87 is replaced by leucine, an amino acid with dissimilar properties. This amino acid position is conserved. In addition, this alteration is predicted to be tolerated by in silico analysis. Based on the available evidence, the clinical significance of this variant remains unclear.

Labcorp Genetics (formerly Invitae), Labcorp
Classification: Uncertain significance for Pancreatic adenocarcinoma. Last evaluated: 2019-12-05. Review status: criteria provided, single submitter. Criteria: Invitae Variant Classification Sherloc (09022015). Collection method: clinical testing. Allele origin: germline.
Comment: In summary, the available evidence is currently insufficient to determine the role of this variant in disease. Therefore, it has been classified as a Variant of Uncertain Significance. Algorithms developed to predict the effect of missense changes on protein structure and function (SIFT, PolyPhen-2, Align-GVGD) all suggest that this variant is likely to be tolerated, but these predictions have not been confirmed by published functional studies and their clinical significance is uncertain. This variant has not been reported in the literature in individuals with PALLD-related disease. While this variant is not present in population databases, the frequency information is unreliable, as metrics indicate poor data quality at this position in the ExAC database. This sequence change replaces serine with leucine at codon 87 of the PALLD protein (p.Ser87Leu). The serine residue is weakly conserved and there is a large physicochemical difference between serine and leucine.